The following is an entry in ClinVar:

NM_006231.4(POLE):c.4784G>T (p.Arg1595Met)

Gene: POLE (DNA polymerase epsilon, catalytic subunit; minus strand). Cytogenetic location: 12q24.33.
Variant type: single nucleotide variant.
Coding change: c.4784G>T on transcript NM_006231.4 (MANE Select); coding-DNA position 4784, G replaced by T.
Protein change: p.Arg1595Met; replaces arginine 1595 with methionine.
Molecular consequence: missense variant.
Genome position (GRCh38, 1-based): chr12:132,642,674, C>A on the plus strand (G>T on the coding strand, the complement: POLE is on the minus strand). VCF-style: chr12-132642674-C-A. GRCh37 (hg19) VCF-style: chr12-133219260-C-A.
Other names: c.4784G>T (NM_006231.2); short protein forms R1595M.
Identifiers: ClinVar variation 567117 (VCV000567117.9), dbSNP rs1565937889, ClinGen allele CA387378398.

ClinVar aggregate classification (germline): Uncertain significance. Review status: criteria provided, multiple submitters, no conflicts (2 of 4 stars). 2 submissions from 2 submitters: Uncertain significance (2). Last evaluated 2025-01-22.

Conditions:
Hereditary cancer-predisposing syndrome. Also called: Neoplastic Syndromes, Hereditary; Tumor predisposition; Hereditary neoplastic syndrome; Hereditary Cancer Syndrome. Identifiers: Orphanet 140162, MedGen C0027672, MeSH D009386, MONDO:0015356.

Allele frequency attached by ClinVar (database versions not stated): gnomAD exomes below 0.00001.
gnomAD v4.1: 3 of 1,613,870 alleles (0.00019%); highest among the groups gnomAD compares: Non-Finnish European, 0.00025%; no homozygotes.

Submissions (2):

Labcorp Genetics (formerly Invitae), Labcorp
Classification: Uncertain significance. Last evaluated: 2025-01-22. Review status: criteria provided, single submitter. Criteria: Invitae Variant Classification Sherloc (09022015). Collection method: clinical testing. Allele origin: germline.
Comment: This sequence change replaces arginine, which is basic and polar, with methionine, which is neutral and non-polar, at codon 1595 of the POLE protein (p.Arg1595Met). This variant is not present in population databases (gnomAD no frequency). This variant has not been reported in the literature in individuals affected with POLE-related conditions. ClinVar contains an entry for this variant (Variation ID: 567117). Invitae Evidence Modeling of protein sequence and biophysical properties (such as structural, functional, and spatial information, amino acid conservation, physicochemical variation, residue mobility, and thermodynamic stability) indicates that this missense variant is not expected to disrupt POLE protein function with a negative predictive value of 80%. In summary, the available evidence is currently insufficient to determine the role of this variant in disease. Therefore, it has been classified as a Variant of Uncertain Significance.

Ambry Genetics
Classification: Uncertain significance for Hereditary cancer-predisposing syndrome. Last evaluated: 2024-04-07. Review status: criteria provided, single submitter. Criteria: Ambry Variant Classification Scheme 2023. Collection method: clinical testing. Allele origin: germline.
Comment: The p.R1595M variant (also known as c.4784G>T), located in coding exon 37 of the POLE gene, results from a G to T substitution at nucleotide position 4784. The arginine at codon 1595 is replaced by methionine, an amino acid with similar properties. This amino acid position is conserved. In addition, the in silico prediction for this alteration is inconclusive. Based on the available evidence, the clinical significance of this variant remains unclear.